The following is an entry in ClinVar:

ClinVar aggregate classification (germline): Uncertain significance (1 of 4 stars; one submission).

Conditions:
Mitochondrial complex I deficiency, nuclear type 2. Also called: Mitochondrial complex 1 deficiency, nuclear type 2. Identifiers: MedGen C4748737, MONDO:0032606, OMIM 618222.

Submission:

3billion
Classification: Uncertain significance for Mitochondrial complex I deficiency, nuclear type 2. Last evaluated: 2026-01-30. Review status: criteria provided, single submitter. Criteria: ACMG Guidelines, 2015. Collection method: clinical testing. Allele origin: germline. Affected: yes.
Comment: The variant is not observed in the gnomAD v4.1.0 dataset. Predicted Consequence/Location: Missense variant In silico tool predictions suggest damaging effect of the variant on gene or gene product [REVEL: 0.75 (>=0.6, sensitivity 0.68 and specificity 0.92)]. Different missense changes at the same codon have been reported as of uncertain significance (ClinVar ID: VCV001520762). Therefore, this variant is classified as VUS according to the recommendation of ACMG/AMP guideline.

NM_002496.4(NDUFS8):c.605A>T (p.Asn202Ile)

Gene: NDUFS8 (NADH:ubiquinone oxidoreductase core subunit S8; plus strand). Cytogenetic location: 11q13.2.
Variant type: single nucleotide variant.
Coding change: c.605A>T on transcript NM_002496.4 (MANE Select); coding-DNA position 605, A replaced by T.
Protein change: p.Asn202Ile; replaces asparagine 202 with isoleucine.
Molecular consequence: missense variant.
Genome position (GRCh38, 1-based): chr11:68,036,565, A>T. VCF-style: chr11-68036565-A-T. GRCh37 (hg19) VCF-style: chr11-67804032-A-T.
Other names: short protein forms N202I.
Identifiers: ClinVar variation 4854272 (VCV004854272.1).